The following is an entry in ClinVar:

NM_032193.4(RNASEH2C):c.133G>A (p.Gly45Arg)

Genes: RNASEH2C (ribonuclease H2 subunit C; minus strand), LOC130006061 (ATAC-STARR-seq lymphoblastoid silent region 3553; plus strand). Cytogenetic location: 11q13.1.
Variant type: single nucleotide variant.
Coding change: c.133G>A on transcript NM_032193.4 (MANE Select); coding-DNA position 133, G replaced by A.
Protein change: p.Gly45Arg; replaces glycine 45 with arginine.
Molecular consequence: missense variant.
Genome position (GRCh38, 1-based): chr11:65,720,626, C>T on the plus strand (G>A on the coding strand, the complement: RNASEH2C is on the minus strand). VCF-style: chr11-65720626-C-T. GRCh37 (hg19) VCF-style: chr11-65488097-C-T.
Other names: short protein forms G45R.
Identifiers: ClinVar variation 2139978 (VCV002139978.4), dbSNP rs527618427, ClinGen allele CA6107822.

ClinVar aggregate classification (germline): Uncertain significance. Review status: criteria provided, multiple submitters, no conflicts (2 of 4 stars). 2 submissions from 2 submitters: Uncertain significance (2). Last evaluated 2022-08-19.

Conditions:
Aicardi-Goutieres syndrome 3. Identifiers: Orphanet 51, MedGen C1835916, MONDO:0012471, OMIM 610329.

Allele frequency attached by ClinVar (database versions not stated): TOPMed 0.00001; gnomAD 0.00002; gnomAD exomes 0.00007; 1000 Genomes Project 0.00040; 1000 Genomes Project 30x 0.00047; ExAC 0.00081.
gnomAD v4.1: 101 of 1,553,550 alleles (0.0065%); highest among the groups gnomAD compares: South Asian, 0.11%; no homozygotes.

Submissions (2):

Labcorp Genetics (formerly Invitae), Labcorp
Classification: Uncertain significance for Aicardi-Goutieres syndrome 3. Last evaluated: 2022-08-19. Review status: criteria provided, single submitter. Criteria: Invitae Variant Classification Sherloc (09022015). Collection method: clinical testing. Allele origin: germline.
Comment: This sequence change replaces glycine, which is neutral and non-polar, with arginine, which is basic and polar, at codon 45 of the RNASEH2C protein (p.Gly45Arg). This variant is present in population databases (rs527618427, gnomAD 0.1%). This variant has not been reported in the literature in individuals affected with RNASEH2C-related conditions. Algorithms developed to predict the effect of missense changes on protein structure and function are either unavailable or do not agree on the potential impact of this missense change (SIFT: "Tolerated"; PolyPhen-2: "Possibly Damaging"; Align-GVGD: "Class C0"). Algorithms developed to predict the effect of sequence changes on RNA splicing suggest that this variant may create or strengthen a splice site. In summary, the available evidence is currently insufficient to determine the role of this variant in disease. Therefore, it has been classified as a Variant of Uncertain Significance.

Revvity Omics, Revvity
Classification: Uncertain significance for Aicardi-Goutieres syndrome 3. Last evaluated: 2021-12-23. Review status: criteria provided, single submitter. Criteria: ACMG Guidelines, 2015. Collection method: clinical testing. Allele origin: germline.